The following is an entry in ClinVar:

NM_182641.4(BPTF):c.4153A>G (p.Thr1385Ala)

Gene: BPTF (bromodomain PHD finger transcription factor; plus strand). Cytogenetic location: 17q24.2.
Variant type: single nucleotide variant.
Coding change: c.4153A>G on transcript NM_182641.4 (MANE Select); coding-DNA position 4153, A replaced by G.
Protein change: p.Thr1385Ala; replaces threonine 1385 with alanine.
Molecular consequence: missense variant.
Genome position (GRCh38, 1-based): chr17:67,912,037, A>G. VCF-style: chr17-67912037-A-G. GRCh37 (hg19) VCF-style: chr17-65908153-A-G.
Other names: c.4531A>G, p.Thr1511Ala (NM_004459.7); c.4153A>G (NM_182641.3); short protein forms T1385A, T1511A.
Identifiers: ClinVar variation 2648135 (VCV002648135.25), dbSNP rs146241932, ClinGen allele CA8725760.

ClinVar aggregate classification (germline): Conflicting classifications of pathogenicity. Review status: criteria provided, conflicting classifications (1 of 4 stars). 2 submissions from 2 submitters: Uncertain significance (1); Likely benign (1). Last evaluated 2024-07-02.

Conditions:
Inborn genetic diseases. Identifiers: MedGen C0950123, MeSH D030342.

Allele frequency attached by ClinVar (database versions not stated): ExAC 0.00004; gnomAD exomes 0.00007; TOPMed 0.00012; 1000 Genomes Project 0.00020; ESP Exome Variant Server 0.00023; 1000 Genomes Project 30x 0.00016; gnomAD 0.00017.
gnomAD v4.1: 133 of 1,612,718 alleles (0.0082%); highest among the groups gnomAD compares: Non-Finnish European, 0.011%; no homozygotes.

Submissions (2):

Ambry Genetics
Classification: Uncertain significance for Inborn genetic diseases. Last evaluated: 2024-07-02. Review status: criteria provided, single submitter. Criteria: Ambry Variant Classification Scheme 2023. Collection method: clinical testing. Allele origin: germline.

CeGaT Center for Human Genetics Tuebingen
Classification: Likely benign. Last evaluated: 2022-12-01. Review status: criteria provided, single submitter. Criteria: CeGaT Center For Human Genetics Tuebingen Variant Classification Criteria Version 2. Collection method: clinical testing. Allele origin: germline. Affected: yes. Observed: 1 variant allele.
Comment: BPTF: BP4